The following is an entry in ClinVar:

NM_002485.5(NBN):c.818C>T (p.Thr273Ile)

Gene: NBN (nibrin; minus strand). Cytogenetic location: 8q21.3.
Variant type: single nucleotide variant.
Coding change: c.818C>T on transcript NM_002485.5 (MANE Select); coding-DNA position 818, C replaced by T.
Protein change: p.Thr273Ile; replaces threonine 273 with isoleucine.
Molecular consequence: missense variant.
Genome position (GRCh38, 1-based): chr8:89,970,442, G>A on the plus strand (C>T on the coding strand, the complement: NBN is on the minus strand). VCF-style: chr8-89970442-G-A. GRCh37 (hg19) VCF-style: chr8-90982670-G-A.
Other names: c.572C>T, p.Thr191Ile (NM_001024688.3); short protein forms T273I, T191I.
Identifiers: ClinVar variation 530764 (VCV000530764.18), dbSNP rs1554563912, ClinGen allele CA371658541.

ClinVar aggregate classification (germline): Conflicting classifications of pathogenicity. Review status: criteria provided, conflicting classifications (1 of 4 stars). 4 submissions from 4 submitters: Uncertain significance (2); Likely benign (1). 1 of the submissions does not count toward it. Last evaluated 2025-07-31.

Conditions:
Hereditary cancer-predisposing syndrome. Also called: Neoplastic Syndromes, Hereditary; Hereditary neoplastic syndrome; Tumor predisposition; Hereditary Cancer Syndrome. Identifiers: Orphanet 140162, MedGen C0027672, MeSH D009386, MONDO:0015356.
Microcephaly, normal intelligence and immunodeficiency (NBS). Also called: Immunodeficiency, microcephaly with normal intelligence; Ataxia telangiectasia variant V1; IMMUNODEFICIENCY, MICROCEPHALY, AND CHROMOSOMAL INSTABILITY; BERLIN BREAKAGE SYNDROME; SEEMANOVA SYNDROME II; Nijmegen breakage syndrome. Identifiers: Orphanet 647, MedGen C0398791, MONDO:0009623, OMIM 251260.

Allele frequency attached by ClinVar (database versions not stated): gnomAD exomes below 0.00001.
gnomAD v4.1: 1 of 1,613,964 alleles (0.000062%); highest among the groups gnomAD compares: East Asian, 0.0022%; no homozygotes.

Submissions (4):

Labcorp Genetics (formerly Invitae), Labcorp
Classification: Uncertain significance for Microcephaly, normal intelligence and immunodeficiency. Last evaluated: 2025-07-31. Review status: criteria provided, single submitter. Criteria: Invitae Variant Classification Sherloc (09022015). Collection method: clinical testing. Allele origin: germline.
Comment: This sequence change replaces threonine, which is neutral and polar, with isoleucine, which is neutral and non-polar, at codon 273 of the NBN protein (p.Thr273Ile). This variant is not present in population databases (gnomAD no frequency). This variant has not been reported in the literature in individuals affected with NBN-related conditions. ClinVar contains an entry for this variant (Variation ID: 530764). An algorithm developed to predict the effect of missense changes on protein structure and function outputs the following: PolyPhen-2: "Benign". The isoleucine amino acid residue is found in multiple mammalian species, which suggests that this missense change does not adversely affect protein function. In summary, the available evidence is currently insufficient to determine the role of this variant in disease. Therefore, it has been classified as a Variant of Uncertain Significance.

Genome-Nilou Lab
Classification: Uncertain significance for Microcephaly, normal intelligence and immunodeficiency. Last evaluated: 2021-11-07. Review status: criteria provided, single submitter. Criteria: ACMG Guidelines, 2015. Collection method: clinical testing. Allele origin: germline. Affected: no.

Ambry Genetics
Classification: Likely benign for Hereditary cancer-predisposing syndrome. Last evaluated: 2017-10-10. Review status: criteria provided, single submitter. Criteria: Ambry Variant Classification Scheme 2023. Collection method: clinical testing. Allele origin: germline.

Natera, Inc.
Classification: Uncertain significance for Nijmegen breakage syndrome. Last evaluated: 2021-03-25. Review status: no assertion criteria provided. Collection method: clinical testing. Allele origin: germline. Not counted in ClinVar's aggregate classification.